The following is an entry in ClinVar:

ClinVar aggregate classification (germline): Uncertain significance (1 of 4 stars; one submission).

Conditions:
IFT172-related disorder. Also called: IFT172-related condition; IFT172-related disorders.

Submission:

PreventionGenetics, part of Exact Sciences
Classification: Uncertain significance for IFT172-related condition. Last evaluated: 2025-10-21. Review status: criteria provided, single submitter. Criteria: ACMG Guidelines, 2015. Collection method: clinical testing. Allele origin: germline.
Comment: The IFT172 c.2147A>G variant is predicted to result in the amino acid substitution p.Gln716Arg. To our knowledge, this variant has not been reported in the literature or in a large population database (gnomAD), indicating this variant is rare. At this time, the clinical significance of this variant is uncertain due to the absence of conclusive functional and genetic evidence.

NM_015662.3(IFT172):c.2147A>G (p.Gln716Arg)

Gene: IFT172 (intraflagellar transport 172; minus strand). Cytogenetic location: 2p23.3.
Variant type: single nucleotide variant.
Coding change: c.2147A>G on transcript NM_015662.3 (MANE Select); coding-DNA position 2147, A replaced by G.
Protein change: p.Gln716Arg; replaces glutamine 716 with arginine.
Molecular consequence: missense variant.
Genome position (GRCh38, 1-based): chr2:27,461,805, T>C on the plus strand (A>G on the coding strand, the complement: IFT172 is on the minus strand). VCF-style: chr2-27461805-T-C. GRCh37 (hg19) VCF-style: chr2-27684672-T-C.
Other names: c.2081A>G, p.Gln694Arg (NM_001410739.1); short protein forms Q694R, Q716R.
Identifiers: ClinVar variation 4979774 (VCV004979774.1).
Genomic context (GRCh38, chr2:27,461,805, plus strand): 5'-GATAAAACAGGTACCTTGGCTTCAGCCACAGCGATACACTCATCCCAACGGTGTAGCTCC[T>C]GGTACATGCCCATGGCCTCCTCCACAGCATTCTAGGGGAAACAGGCAGAGCAGAGAGGGA-3'
Protein context (NP_056477.1, residues 706-726): NAVEEAMGMY[Gln716Arg]ELHRWDECIA